The following is an entry in ClinVar:

NM_001165963.4(SCN1A):c.947C>A (p.Ser316Ter)

Gene: SCN1A (sodium voltage-gated channel alpha subunit 1; minus strand). Cytogenetic location: 2q24.3.
Variant type: single nucleotide variant.
Coding change: c.947C>A on transcript NM_001165963.4 (MANE Select); coding-DNA position 947, C replaced by A.
Protein change: p.Ser316Ter; replaces serine 316 with a stop codon.
Molecular consequence: nonsense. On other transcripts: 5 prime UTR variant (1), non-coding transcript variant (1).
Genome position (GRCh38, 1-based): chr2:166,051,736, G>T on the plus strand (C>A on the coding strand, the complement: SCN1A is on the minus strand). VCF-style: chr2-166051736-G-T. GRCh37 (hg19) VCF-style: chr2-166908246-G-T.
Other names: c.947C>A, p.Ser316Ter (NM_001165964.3, NM_001202435.3, NM_001353948.2 and 10 more transcripts); c.-1479C>A (NM_001353961.2); short protein forms S316*.
Identifiers: ClinVar variation 2029335 (VCV002029335.6), dbSNP rs2468220881, ClinGen allele CA349072489.

ClinVar aggregate classification (germline): Pathogenic. Review status: criteria provided, multiple submitters, no conflicts (2 of 4 stars). 2 submissions from 2 submitters: Pathogenic (2). Last evaluated 2024-01-11.

Conditions:
Early-infantile DEE. Also called: Ohtahara syndrome; Early infantile epileptic encephalopathy; Early infantile epileptic encephalopathy with suppression bursts. Identifiers: Orphanet 1934, MedGen C0393706, MONDO:0800491.
Severe myoclonic epilepsy in infancy (DRVT). Also called: DEVELOPMENTAL AND EPILEPTIC ENCEPHALOPATHY 6A; Severe Myoclonic Epilepsy in Infancy (SMEI); Dravet syndrome; Epileptic encephalopathy, early infantile, 6 (Dravet syndrome); SEVERE MYOCLONIC EPILEPSY OF INFANCY. Identifiers: Orphanet 33069, MedGen C0751122, MONDO:0100135, OMIM 607208.

Allele frequency attached by ClinVar (database versions not stated): gnomAD exomes below 0.00001.
gnomAD v4.1: 1 of 1,602,262 alleles (0.000062%); highest among the groups gnomAD compares: South Asian, 0.0011%; no homozygotes.

Submissions (2):

Unidad de Genómica Garrahan, Hospital de Pediatría Garrahan
Classification: Pathogenic for Severe myoclonic epilepsy in infancy. Last evaluated: 2024-01-11. Review status: criteria provided, single submitter. Criteria: ACMG Guidelines, 2015. Collection method: clinical testing. Allele origin: germline. Affected: yes.

Labcorp Genetics (formerly Invitae), Labcorp
Classification: Pathogenic for Early-infantile DEE. Last evaluated: 2023-08-30. Review status: criteria provided, single submitter. Criteria: Invitae Variant Classification Sherloc (09022015). Collection method: clinical testing. Allele origin: germline.
Comment: This variant has not been reported in the literature in individuals affected with SCN1A-related conditions. This sequence change creates a premature translational stop signal (p.Ser316*) in the SCN1A gene. It is expected to result in an absent or disrupted protein product. Loss-of-function variants in SCN1A are known to be pathogenic (PMID: 17347258, 18930999). This variant is not present in population databases (gnomAD no frequency). For these reasons, this variant has been classified as Pathogenic. ClinVar contains an entry for this variant (Variation ID: 2029335).

Literature cited by the submitters: PubMed 17347258 (cited by Labcorp Genetics (formerly Invitae), Labcorp); PubMed 18930999 (cited by Labcorp Genetics (formerly Invitae), Labcorp).